The following is an entry in ClinVar:

ClinVar aggregate classification (germline): Uncertain significance. Review status: criteria provided, multiple submitters, no conflicts (2 of 4 stars). 3 submissions from 3 submitters: Uncertain significance (2). 1 of the submissions does not count toward it. Last evaluated 2025-08-04.

Conditions:
Inborn genetic diseases. Identifiers: MedGen C0950123, MeSH D030342.
Hereditary spastic paraplegia 49 (HSAN9). Also called: NEUROPATHY, HEREDITARY SENSORY AND AUTONOMIC, TYPE IX, WITH DEVELOPMENTAL DELAY; Spastic paraplegia 49, autosomal recessive; TECPR2-Related Hereditary Sensory and Autonomic Neuropathy with Intellectual Disability. Identifiers: Orphanet 320385, MedGen C5190860, MONDO:0014016, OMIM 615031.

Allele frequency attached by ClinVar (database versions not stated): TOPMed below 0.00001; gnomAD 0.00001; gnomAD exomes 0.00002 and 0.00004; ExAC 0.00004; 1000 Genomes Project 30x 0.00016; 1000 Genomes Project 0.00020.
gnomAD v4.1: 55 of 1,614,040 alleles (0.0034%); highest among the groups gnomAD compares: Non-Finnish European, 0.0046%; no homozygotes.

Submissions (3):

Ambry Genetics
Classification: Uncertain significance for Inborn genetic diseases. Last evaluated: 2025-08-04. Review status: criteria provided, single submitter. Criteria: Ambry Variant Classification Scheme 2023. Collection method: clinical testing. Allele origin: germline.

Labcorp Genetics (formerly Invitae), Labcorp
Classification: Uncertain significance for Hereditary spastic paraplegia 49. Last evaluated: 2022-10-13. Review status: criteria provided, single submitter. Criteria: Invitae Variant Classification Sherloc (09022015). Collection method: clinical testing. Allele origin: germline.
Comment: This sequence change replaces glycine, which is neutral and non-polar, with aspartic acid, which is acidic and polar, at codon 805 of the TECPR2 protein (p.Gly805Asp). This variant is present in population databases (rs201418942, gnomAD 0.005%). This variant has not been reported in the literature in individuals affected with TECPR2-related conditions. ClinVar contains an entry for this variant (Variation ID: 944577). Algorithms developed to predict the effect of missense changes on protein structure and function are either unavailable or do not agree on the potential impact of this missense change (SIFT: "Tolerated"; PolyPhen-2: "Possibly Damaging"; Align-GVGD: "Class C0"). In summary, the available evidence is currently insufficient to determine the role of this variant in disease. Therefore, it has been classified as a Variant of Uncertain Significance.

Natera, Inc.
Classification: Uncertain significance for Autosomal recessive spastic paraplegia type 49. Last evaluated: 2021-09-08. Review status: no assertion criteria provided. Collection method: clinical testing. Allele origin: germline. Not counted in ClinVar's aggregate classification.

NM_014844.5(TECPR2):c.2414G>A (p.Gly805Asp)

Gene: TECPR2 (tectonin beta-propeller repeat containing 2; plus strand). Cytogenetic location: 14q32.31.
Variant type: single nucleotide variant.
Coding change: c.2414G>A on transcript NM_014844.5 (MANE Select); coding-DNA position 2414, G replaced by A.
Protein change: p.Gly805Asp; replaces glycine 805 with aspartic acid.
Molecular consequence: missense variant.
Genome position (GRCh38, 1-based): chr14:102,438,041, G>A. VCF-style: chr14-102438041-G-A. GRCh37 (hg19) VCF-style: chr14-102904378-G-A.
Other names: c.2414G>A, p.Gly805Asp (NM_001172631.3); short protein forms G805D.
Identifiers: ClinVar variation 944577 (VCV000944577.11), dbSNP rs201418942, ClinGen allele CA7357921.